The following is an entry in ClinVar:

NM_005732.4(RAD50):c.1201A>T (p.Arg401Ter)

Gene: RAD50 (RAD50 double strand break repair protein; plus strand). Cytogenetic location: 5q31.1.
Variant type: single nucleotide variant.
Coding change: c.1201A>T on transcript NM_005732.4 (MANE Select); coding-DNA position 1201, A replaced by T.
Protein change: p.Arg401Ter; replaces arginine 401 with a stop codon.
Molecular consequence: nonsense.
Genome position (GRCh38, 1-based): chr5:132,588,836, A>T. VCF-style: chr5-132588836-A-T. GRCh37 (hg19) VCF-style: chr5-131924528-A-T.
Other names: short protein forms R401*.
Identifiers: ClinVar variation 457365 (VCV000457365.13), dbSNP rs199867309, ClinGen allele CA3405125.

ClinVar aggregate classification (germline): Pathogenic. Review status: criteria provided, multiple submitters, no conflicts (2 of 4 stars). 2 submissions from 2 submitters: Pathogenic (2). Last evaluated 2022-08-27.

Conditions:
Hereditary cancer-predisposing syndrome. Also called: Neoplastic Syndromes, Hereditary; Tumor predisposition; Hereditary Cancer Syndrome; Hereditary neoplastic syndrome. Identifiers: Orphanet 140162, MedGen C0027672, MeSH D009386, MONDO:0015356.

Allele frequency attached by ClinVar (database versions not stated): gnomAD 0.00001; gnomAD exomes 0.00001; ExAC 0.00002.
gnomAD v4.1: 4 of 1,613,852 alleles (0.00025%); no homozygotes.

Submissions (2):

Labcorp Genetics (formerly Invitae), Labcorp
Classification: Pathogenic for Hereditary cancer-predisposing syndrome. Last evaluated: 2022-08-27. Review status: criteria provided, single submitter. Criteria: Invitae Variant Classification Sherloc (09022015). Collection method: clinical testing. Allele origin: germline.
Comment: For these reasons, this variant has been classified as Pathogenic. ClinVar contains an entry for this variant (Variation ID: 457365). This variant has not been reported in the literature in individuals affected with RAD50-related conditions. This variant is present in population databases (rs199867309, gnomAD 0.02%). This sequence change creates a premature translational stop signal (p.Arg401*) in the RAD50 gene. It is expected to result in an absent or disrupted protein product. Loss-of-function variants in RAD50 are known to be pathogenic (PMID: 19409520).

Ambry Genetics
Classification: Pathogenic for Hereditary cancer-predisposing syndrome. Last evaluated: 2019-09-17. Review status: criteria provided, single submitter. Criteria: Ambry Variant Classification Scheme 2023. Collection method: clinical testing. Allele origin: germline.
Comment: The p.R401* pathogenic mutation (also known as c.1201A>T), located in coding exon 8 of the RAD50 gene, results from an A to T substitution at nucleotide position 1201. This changes the amino acid from an arginine to a stop codon within coding exon 8. This alteration is expected to result in loss of function by premature protein truncation or nonsense-mediated mRNA decay. As such, this alteration is interpreted as a disease-causing mutation.

Literature cited by the submitters: PubMed 19409520 (cited by Labcorp Genetics (formerly Invitae), Labcorp).